The following is an entry in ClinVar:

NM_000535.7(PMS2):c.2006+3A>G

Gene: PMS2 (PMS1 homolog 2, mismatch repair system component; minus strand). Cytogenetic location: 7p22.1.
Variant type: single nucleotide variant.
Coding change: c.2006+3A>G on transcript NM_000535.7 (MANE Select); 3 bases into the intron after coding-DNA position 2006, A replaced by G.
Molecular consequence: intron variant.
Genome position (GRCh38, 1-based): chr7:5,986,756, T>C on the plus strand (A>G on the coding strand, the complement: PMS2 is on the minus strand). VCF-style: chr7-5986756-T-C. GRCh37 (hg19) VCF-style: chr7-6026387-T-C.
Other names: c.1688+3A>G (NM_001322008.2, NM_001322007.2); c.1445+3A>G (NM_001322010.2); c.1601+3A>G (NM_001322004.2, NM_001322003.2, NM_001322009.2 and 1 more transcripts); c.1433+3A>G (NM_001322013.2); c.1073+3A>G (NM_001322012.2, NM_001322011.2); c.1697+3A>G (NM_001322015.2); c.1850+3A>G (NM_001322006.2); c.2006+3A>G (NM_001322014.2).
Identifiers: ClinVar variation 419428 (VCV000419428.29), dbSNP rs1064793866, ClinGen allele CA16618494.

ClinVar aggregate classification (germline): Uncertain significance. Review status: criteria provided, multiple submitters, no conflicts (2 of 4 stars). 10 submissions from 10 submitters: Uncertain significance (9). 1 of the submissions does not count toward it. Last evaluated 2026-05-18.

Conditions:
PMS2-related disorder. Also called: PMS2-related condition.
Hereditary nonpolyposis colorectal neoplasms. Identifiers: MedGen C0009405, MeSH D003123.
Mismatch repair cancer syndrome 4. Identifiers: MedGen C5436817, MONDO:0030843, OMIM 619101.
Lynch syndrome 4 (LYNCH4). Also called: Colorectal cancer, hereditary nonpolyposis, type 4; Hereditary non-polyposis colorectal cancer, type 4. Identifiers: Orphanet 144, MedGen C1838333, MONDO:0013699, OMIM 614337. Disease mechanism: loss of function.
Hereditary cancer-predisposing syndrome. Also called: Hereditary Cancer Syndrome; Tumor predisposition; Hereditary neoplastic syndrome; Neoplastic Syndromes, Hereditary. Identifiers: Orphanet 140162, MedGen C0027672, MeSH D009386, MONDO:0015356.

Allele frequency attached by ClinVar (database versions not stated): gnomAD exomes below 0.00001; TOPMed below 0.00001.
gnomAD v4.1: 3 of 1,576,950 alleles (0.00019%); highest among the groups gnomAD compares: East Asian, 0.0045%; no homozygotes.

Submissions (10):

PreventionGenetics, part of Exact Sciences
Classification: Uncertain significance for PMS2-related condition. Last evaluated: 2026-05-18. Review status: criteria provided, single submitter. Criteria: ACMG Guidelines, 2015. Collection method: clinical testing. Allele origin: germline.
Comment: The PMS2 c.2006+3A>G variant is predicted to interfere with splicing. To our knowledge, this variant has not been reported in the literature or in a large population database (gnomAD), indicating this variant is rare. In ClinVar, this variant has been interpreted as uncertain (Variation ID: 419428 ). At this time, the clinical significance of this variant is uncertain due to the absence of conclusive functional and genetic evidence.

Labcorp Genetics (formerly Invitae), Labcorp
Classification: Uncertain significance for Hereditary nonpolyposis colorectal neoplasms. Last evaluated: 2026-01-04. Review status: criteria provided, single submitter. Criteria: Invitae Variant Classification Sherloc (09022015). Collection method: clinical testing. Allele origin: germline.
Comment: This sequence change falls in intron 11 of the PMS2 gene. It does not directly change the encoded amino acid sequence of the PMS2 protein. It affects a nucleotide within the consensus splice site. This variant is not present in population databases (gnomAD no frequency). This variant has not been reported in the literature in individuals affected with PMS2-related conditions. ClinVar contains an entry for this variant (Variation ID: 419428). Variants that disrupt the consensus splice site are a relatively common cause of aberrant splicing (PMID: 17576681, 9536098). Algorithms developed to predict the effect of sequence changes on RNA splicing suggest that this variant is not likely to affect RNA splicing. In summary, the available evidence is currently insufficient to determine the role of this variant in disease. Therefore, it has been classified as a Variant of Uncertain Significance.

Ambry Genetics
Classification: Uncertain significance for Hereditary cancer-predisposing syndrome. Last evaluated: 2025-03-04. Review status: criteria provided, single submitter. Criteria: Ambry Variant Classification Scheme 2023. Collection method: clinical testing. Allele origin: germline.
Comment: The c.2006+3A>G intronic variant results from an A to G substitution 3 nucleotides after coding exon 11 in the PMS2 gene. This nucleotide position is well conserved in available vertebrate species. In silico splice site analysis for this alteration is inconclusive. Based on the available evidence, the clinical significance of this variant remains unclear.

Fulgent Genetics
Classification: Uncertain significance for Lynch syndrome 4; Mismatch repair cancer syndrome 4. Last evaluated: 2024-03-25. Review status: criteria provided, single submitter. Criteria: ACMG Guidelines, 2015. Collection method: clinical testing. Allele origin: germline.

Color Diagnostics, LLC DBA Color Health
Classification: Uncertain significance for Hereditary cancer-predisposing syndrome. Last evaluated: 2023-12-21. Review status: criteria provided, single submitter. Criteria: ACMG Guidelines, 2015. Collection method: clinical testing. Allele origin: germline.
Comment: This variant causes an A to G nucleotide substitution at the +3 position of intron 11 of the PMS2 gene. Splice site prediction tools predict that this variant may not have a significant impact on RNA splicing. To our knowledge, functional studies have not been reported for this variant. This variant has not been reported in individuals affected with hereditary cancer in the literature. This variant has not been identified in the general population by the Genome Aggregation Database (gnomAD). The available evidence is insufficient to determine the role of this variant in disease conclusively. Therefore, this variant is classified as a Variant of Uncertain Significance.

Quest Diagnostics Nichols Institute San Juan Capistrano
Classification: Uncertain significance. Last evaluated: 2023-10-20. Review status: criteria provided, single submitter. Criteria: Quest Diagnostics criteria. Collection method: clinical testing. Allele origin: unknown.
Comment: The PMS2 c.2006+3A>G variant has not been reported in individuals with PMS2-related conditions in the published literature. It also has not been reported in large, multi-ethnic general populations (Genome Aggregation Database). Analysis of this variant using software algorithms for the prediction of the effect of nucleotide changes on splicing yielded predictions that this variant may affect proper PMS2 mRNA splicing. Based on the available information, we are unable to determine the clinical significance of this variant.

Blueprint Genetics
Classification: Uncertain significance. Last evaluated: 2022-08-04. Review status: criteria provided, single submitter. Criteria: ACMG Guidelines, 2015. Collection method: clinical testing. Allele origin: germline.

Sema4
Classification: Uncertain significance for Hereditary cancer-predisposing syndrome. Last evaluated: 2022-03-09. Review status: criteria provided, single submitter. Criteria: Sema4 Curation Guidelines. Collection method: curation. Allele origin: germline.
Comment: The PMS2 c.2006+3A>G variant has not been reported in the literature to our knowledge. This variant is not reported in the population database Genome Aggregation Database (PMID: 32461654). The variant has been reported in ClinVar (Variation ID: 419428). In silico tools suggest the variant may disrupt normal splicing, though these predictions have not been confirmed by functional studies. The evidence is insufficient to meet ACMG/AMP criteria for classifying the variant as benign or pathogenic. Thus, the clinical significance of this variant is currently uncertain.

GeneDx
Classification: Uncertain significance. Last evaluated: 2020-06-04. Review status: criteria provided, single submitter. Criteria: GeneDx Variant Classification Process June 2021. Collection method: clinical testing. Allele origin: germline. Affected: yes.
Comment: Not observed in large population cohorts (Lek et al., 2016); Has not been previously published as pathogenic or benign to our knowledge; In-silico analysis, which includes splice predictors and evolutionary conservation, is inconclusive as to whether the variant alters gene splicing. In the absence of RNA/functional studies, the actual effect of this sequence change is unknown.

Department of Pathology and Laboratory Medicine, Sinai Health System
Classification: Uncertain significance. Review status: no assertion criteria provided. Collection method: clinical testing. Allele origin: unknown. Affected: yes. Study: The Canadian Open Genetics Repository (COGR). Not counted in ClinVar's aggregate classification.
Comment: The PMS2 c.2006+3A>G variant was not identified in the literature, nor was it identified in dbSNP, Gene Insight-COGR, Zhejiang University Database, Mismatch Repair Genes Variant Database, or the Insight Hereditary Tumors database. The variant was identified in ClinVar (3x as uncertain significance by GeneDx, Ambry Genetics and Color Genomics). The variant was not identified in the following control databases: the 1000 Genomes Project, the NHLBI GO Exome Sequencing Project, the Exome Aggregation Consortium (August 8th 2016), or the Genome Aggregation Database (Feb 27, 2017). The c.2006+3A>G variant is located in the 5' splice region but does not affect the invariant +1 and +2 positions. However, positions +3 to +6 are part of the splicing consensus sequence and variants involving these positions sometimes affect splicing. In addition, 4 of 5 in silico or computational prediction software programs (SpliceSiteFinder, MaxEntScan, NNSPLICE, GeneSplicer, HumanSpliceFinder) predict a greater than 10% difference in splicing. In summary, based on the above information the clinical significance of this variant cannot be determined with certainty at this time. This variant is classified as a variant of uncertain significance.

Literature cited by the submitters: PubMed 17576681 (cited by Labcorp Genetics (formerly Invitae), Labcorp); PubMed 9536098 (cited by Labcorp Genetics (formerly Invitae), Labcorp).